The following is an entry in ClinVar:

NM_001927.4(DES):c.769C>G (p.Gln257Glu)

Gene: DES (desmin; plus strand). Cytogenetic location: 2q35.
Variant type: single nucleotide variant.
Coding change: c.769C>G on transcript NM_001927.4 (MANE Select); coding-DNA position 769, C replaced by G.
Protein change: p.Gln257Glu; replaces glutamine 257 with glutamic acid.
Molecular consequence: missense variant. On other transcripts: intron variant (1).
Genome position (GRCh38, 1-based): chr2:219,420,528, C>G. VCF-style: chr2-219420528-C-G. GRCh37 (hg19) VCF-style: chr2-220285250-C-G.
Other names: c.766C>G, p.Gln256Glu (NM_001382708.1); c.769C>G, p.Gln257Glu (NM_001382710.1, NM_001382711.1, NM_001382712.1); c.499C>G, p.Gln167Glu (NM_001382713.1); c.735+182C>G (NM_001382709.1); short protein forms Q257E, Q167E, Q256E.
Identifiers: ClinVar variation 4790679 (VCV004790679.2).
Genomic context (GRCh38, chr2:219,420,528, plus strand): 5'-GGACTGAAGCCCAGTCATGCCCTACAGGAGATCCGTGAGTTGCAGGCTCAGCTTCAGGAA[C>G]AGCAGGTCCAGGTGGAGATGGACATGTCTAAGCCAGACCTCACTGCCGCCCTCAGGGACA-3'
Protein context (NP_001918.3, residues 247-267): IRELQAQLQE[Gln257Glu]QVQVEMDMSK

ClinVar aggregate classification (germline): Uncertain significance. Review status: criteria provided, multiple submitters, no conflicts (2 of 4 stars). 2 submissions from 2 submitters: Uncertain significance (2). Last evaluated 2026-05-24.

Conditions:
Desmin-related myofibrillar myopathy (MFM1). Also called: Desminopathy; Desmin related myopathy (former name); Desmin storage myopathy (former name); Myofibrillar myopathy 1; MYOFIBRILLAR MYOPATHY WITH ARRHYTHMOGENIC RIGHT VENTRICULAR CARDIOMYOPATHY; DESMIN-RELATED MYOPATHY WITH ARRHYTHMOGENIC RIGHT VENTRICULAR CARDIOMYOPATHY. Identifiers: Orphanet 363543, Orphanet 98909, MedGen C1832370, MONDO:0011076, OMIM 601419.
Cardiovascular phenotype. Identifiers: MedGen CN230736.

gnomAD v4.1: 1 of 1,613,956 alleles (0.000062%); highest among the groups gnomAD compares: Non-Finnish European, 0.000085%; no homozygotes.

Submissions (2):

Ambry Genetics
Classification: Uncertain significance for Cardiovascular phenotype. Last evaluated: 2026-05-24. Review status: criteria provided, single submitter. Criteria: Ambry Variant Classification Scheme 2023. Collection method: clinical testing. Allele origin: germline.
Comment: The p.Q257E variant (also known as c.769C>G), located in coding exon 4 of the DES gene, results from a C to G substitution at nucleotide position 769. The glutamine at codon 257 is replaced by glutamic acid, an amino acid with highly similar properties. This amino acid position is conserved. In addition, the in silico prediction for this alteration is inconclusive. Based on the available evidence, the clinical significance of this variant remains unclear.

Labcorp Genetics (formerly Invitae), Labcorp
Classification: Uncertain significance for Desmin-related myofibrillar myopathy. Last evaluated: 2025-09-14. Review status: criteria provided, single submitter. Criteria: Invitae Variant Classification Sherloc (09022015). Collection method: clinical testing. Allele origin: germline.
Comment: This sequence change replaces glutamine, which is neutral and polar, with glutamic acid, which is acidic and polar, at codon 257 of the DES protein (p.Gln257Glu). This variant is not present in population databases (gnomAD no frequency). This variant has not been reported in the literature in individuals affected with DES-related conditions. Invitae Evidence Modeling of protein sequence and biophysical properties (such as structural, functional, and spatial information, amino acid conservation, physicochemical variation, residue mobility, and thermodynamic stability) has been performed for this missense variant. However, the output from this modeling did not meet the statistical confidence thresholds required to predict the impact of this variant on DES protein function. In summary, the available evidence is currently insufficient to determine the role of this variant in disease. Therefore, it has been classified as a Variant of Uncertain Significance.